The following is an entry in ClinVar:

ClinVar aggregate classification (germline): Uncertain significance (1 of 4 stars; one submission).

Conditions:
KBG syndrome (KBGS). Also called: ANKRD11-Related KBG Syndrome. Identifiers: Orphanet 2332, MedGen C0220687, MONDO:0007846, OMIM 148050.

Submission:

Labcorp Genetics (formerly Invitae), Labcorp
Classification: Uncertain significance for KBG syndrome. Last evaluated: 2025-09-19. Review status: criteria provided, single submitter. Criteria: Invitae Variant Classification Sherloc (09022015). Collection method: clinical testing. Allele origin: germline.
Comment: This variant, c.2398_2403del, results in the deletion of 2 amino acid(s) of the ANKRD11 protein (p.Glu800_Lys801del), but otherwise preserves the integrity of the reading frame. This variant is not present in population databases (gnomAD no frequency). This variant has not been reported in the literature in individuals affected with ANKRD11-related conditions. Experimental studies and prediction algorithms are not available or were not evaluated, and the functional significance of this variant is currently unknown. In summary, the available evidence is currently insufficient to determine the role of this variant in disease. Therefore, it has been classified as a Variant of Uncertain Significance.

NM_013275.6(ANKRD11):c.2398_2403del (p.Glu800_Lys801del)

Gene: ANKRD11 (ankyrin repeat domain 11; minus strand). Cytogenetic location: 16q24.3.
Variant type: Deletion.
Coding change: c.2398_2403del on transcript NM_013275.6 (MANE Select); coding-DNA positions 2398 to 2403, 6 bases deleted (GAAAAA; older notation c.2398_2403delGAAAAA).
Protein change: p.Glu800_Lys801del.
Molecular consequence: inframe deletion.
Genome position (GRCh38, 1-based): chr16:89,284,139-89,284,144, TTTTTC deleted on the plus strand (GAAAAA on the coding strand, the reverse complement: ANKRD11 is on the minus strand); deleting any 6 consecutive bases within chr16:89,284,139-89,284,147 gives the same sequence; the c. name uses the placement nearest the transcript's 3' end. VCF-style (leftmost placement, unchanged base first): chr16-89284138-GTTTTTC-G. GRCh37 (hg19) VCF-style: chr16-89350546-GTTTTTC-G.
Other names: c.2398_2403del, p.Glu800_Lys801del (NM_001256182.2, NM_001256183.2).
Identifiers: ClinVar variation 4749096 (VCV004749096.1).
Genomic context (GRCh38, chr16:89,284,138, plus strand): 5'-GATTTTTGTTACAATATTCGTCAAAAGCAGAATCTTCCCTATAAACCTTTTCTTTTTTGA[GTTTTTC>G]TTTATCTTCTTTAAAAATCTTCTCCTTCTCTTTTGAAATTTTGTCCTCTTTTAAATCATT-3'